The following is an entry in ClinVar:

ClinVar aggregate classification (germline): Conflicting classifications of pathogenicity. Review status: criteria provided, conflicting classifications (1 of 4 stars). 5 submissions from 5 submitters: Uncertain significance (4); Likely benign (1). Last evaluated 2026-04-27.

Conditions:
Inborn genetic diseases. Identifiers: MedGen C0950123, MeSH D030342.
Ehlers-Danlos syndrome, dermatosparaxis type. Also called: Dermatosparaxis; Ehlers-Danlos syndrome, type VII, autosomal recessive; EDS VIIC. Identifiers: Orphanet 1901, MedGen C2700425, MONDO:0009161, OMIM 225410.

Allele frequency attached by ClinVar (database versions not stated): gnomAD 0.00001 and 0.00009; TOPMed 0.00007; gnomAD exomes 0.00024; ExAC 0.00030; 1000 Genomes Project 0.00040; 1000 Genomes Project 30x 0.00047.
gnomAD v4.1: 195 of 1,613,470 alleles (0.012%); highest among the groups gnomAD compares: Middle Eastern, 0.12%; 1 homozygote.

Submissions (5):

Women's Health and Genetics/Laboratory Corporation of America, LabCorp
Classification: Uncertain significance. Last evaluated: 2026-04-27. Review status: criteria provided, single submitter. Criteria: LabCorp Variant Classification Summary - May 2015. Collection method: clinical testing. Allele origin: germline.
Comment: Variant summary: ADAMTS2 c.2719G>A (p.Ala907Thr) results in a non-conservative amino acid change in the encoded protein sequence. Algorithms developed to predict the effect of missense changes on protein structure and function are either unavailable or do not agree on the potential impact of this missense change. The variant allele was found at a frequency of 0.00024 in 250838 control chromosomes. This frequency is not significantly higher than estimated for disease-causing variants in ADAMTS2, allowing no conclusion about variant significance. To our knowledge, no occurrence of c.2719G>A in individuals affected with ADAMTS2-related conditions and no experimental evidence demonstrating its impact on protein function have been reported. ClinVar contains an entry for this variant (Variation ID: 967430). Based on the evidence outlined above, the variant was classified as uncertain significance.

CeGaT Center for Human Genetics Tuebingen
Classification: Likely benign. Last evaluated: 2025-09-01. Review status: criteria provided, single submitter. Criteria: CeGaT Center For Human Genetics Tuebingen Variant Classification Criteria Version 2. Collection method: clinical testing. Allele origin: germline. Affected: yes. Observed: 1 variant allele.
Comment: ADAMTS2: BP4

Ambry Genetics
Classification: Uncertain significance for Inborn genetic diseases. Last evaluated: 2025-06-03. Review status: criteria provided, single submitter. Criteria: Ambry Variant Classification Scheme 2023. Collection method: clinical testing. Allele origin: germline.

GeneDx
Classification: Uncertain significance. Last evaluated: 2022-08-01. Review status: criteria provided, single submitter. Criteria: GeneDx Variant Classification Process June 2021. Collection method: clinical testing. Allele origin: germline. Affected: yes.
Comment: In silico analysis supports that this missense variant does not alter protein structure/function; Has not been previously published as pathogenic or benign to our knowledge

Labcorp Genetics (formerly Invitae), Labcorp
Classification: Uncertain significance for Ehlers-Danlos syndrome, dermatosparaxis type. Last evaluated: 2021-12-29. Review status: criteria provided, single submitter. Criteria: Invitae Variant Classification Sherloc (09022015). Collection method: clinical testing. Allele origin: germline.
Comment: This sequence change replaces alanine, which is neutral and non-polar, with threonine, which is neutral and polar, at codon 907 of the ADAMTS2 protein (p.Ala907Thr). This variant is present in population databases (rs199617528, gnomAD 0.09%). This variant has not been reported in the literature in individuals affected with ADAMTS2-related conditions. ClinVar contains an entry for this variant (Variation ID: 967430). Algorithms developed to predict the effect of missense changes on protein structure and function output the following: SIFT: "Tolerated"; PolyPhen-2: "Benign"; Align-GVGD: "Class C0". The threonine amino acid residue is found in multiple mammalian species, which suggests that this missense change does not adversely affect protein function. In summary, the available evidence is currently insufficient to determine the role of this variant in disease. Therefore, it has been classified as a Variant of Uncertain Significance.

NM_014244.5(ADAMTS2):c.2719G>A (p.Ala907Thr)

Gene: ADAMTS2 (ADAM metallopeptidase with thrombospondin type 1 motif 2; minus strand). Cytogenetic location: 5q35.3.
Variant type: single nucleotide variant.
Coding change: c.2719G>A on transcript NM_014244.5 (MANE Select); coding-DNA position 2719, G replaced by A.
Protein change: p.Ala907Thr; replaces alanine 907 with threonine.
Molecular consequence: missense variant.
Genome position (GRCh38, 1-based): chr5:179,126,029, C>T on the plus strand (G>A on the coding strand, the complement: ADAMTS2 is on the minus strand). VCF-style: chr5-179126029-C-T. GRCh37 (hg19) VCF-style: chr5-178553030-C-T.
Other names: short protein forms A907T.
Identifiers: ClinVar variation 967430 (VCV000967430.18), dbSNP rs199617528, ClinGen allele CA3595456.